The following is an entry in ClinVar:

ClinVar aggregate classification (germline): Likely pathogenic (1 of 4 stars; one submission).

Conditions:
Nephrotic syndrome, IIa 26. Also called: Nephrotic syndrome, type 26. Identifiers: MedGen C5774221, MONDO:0031061, OMIM 620049.

Submission:

Variantyx, Inc.
Classification: Likely pathogenic for Nephrotic syndrome, IIa 26. Last evaluated: 2025-05-07. Review status: criteria provided, single submitter. Criteria: Variantyx Assertion Criteria 2022. Collection method: clinical testing. Allele origin: germline. Inheritance: Autosomal recessive inheritance.
Comment: This is a frameshift variant in the LAMA5 gene (OMIM: 601033). Pathogenic variants in this gene have been associated with autosomal recessive nephrotic syndrome type 26. This variant introduces a premature termination codon in exon 48 out of 80 and is expected to result in loss of function, which is a known disease mechanism for LAMA5 in this disorder (PMID:35419533) (PVS1). This variant has a 0.0006% maximum allele frequency in non-founder control populations (PM2) and it has not been reported in individuals with LAMA5-related disorders in the databases available for review. Based on the current evidence, this variant is classified as likely pathogenic for autosomal recessive nephrotic syndrome type 26.

Literature cited by the submitters: PubMed 35419533.

NM_005560.6(LAMA5):c.6404dup (p.Leu2137fs)

Gene: LAMA5 (laminin subunit alpha 5; minus strand). Cytogenetic location: 20q13.33.
Variant type: Duplication.
Coding change: c.6404dup on transcript NM_005560.6 (MANE Select); coding-DNA position 6404, one base duplicated (C; older notation c.6404dupC).
Protein change: p.Leu2137fs; shifts the reading frame from leucine 2137.
Molecular consequence: frameshift variant.
Genome position (GRCh38, 1-based): chr20:62,322,111, G duplicated on the plus strand (C on the coding strand, the reverse complement: LAMA5 is on the minus strand); the first of 6 consecutive G bases (chr20:62,322,111-62,322,116); duplicating any one gives the same sequence. VCF-style (leftmost placement, unchanged base first): chr20-62322110-C-CG. GRCh37 (hg19) VCF-style: chr20-60897166-C-CG.
Other names: short protein forms L2137fs.
Identifiers: ClinVar variation 4852212 (VCV004852212.1).